The following is an entry in ClinVar:

ClinVar aggregate classification (germline): Uncertain significance (1 of 4 stars; one submission).

Conditions:
Developmental and epileptic encephalopathy, 12 (DEE12). Identifiers: MedGen C3150988, MONDO:0013389, OMIM 613722.

Allele frequency attached by ClinVar (database versions not stated): gnomAD exomes 0.00001.
gnomAD v4.1: 10 of 1,575,776 alleles (0.00063%); highest among the groups gnomAD compares: East Asian, 0.0089%; no homozygotes.

Submission:

Labcorp Genetics (formerly Invitae), Labcorp
Classification: Uncertain significance for Developmental and epileptic encephalopathy, 12. Last evaluated: 2019-04-03. Review status: criteria provided, single submitter. Criteria: Invitae Variant Classification Sherloc (09022015). Collection method: clinical testing. Allele origin: germline.
Comment: This sequence change replaces methionine with valine at codon 535 of the PLCB1 protein (p.Met535Val). The methionine residue is moderately conserved and there is a small physicochemical difference between methionine and valine. Algorithms developed to predict the effect of missense changes on protein structure and function (SIFT, PolyPhen-2, Align-GVGD) all suggest that this variant is likely to be tolerated, but these predictions have not been confirmed by published functional studies and their clinical significance is uncertain. This variant has not been reported in the literature in individuals with PLCB1-related conditions. This variant is not present in population databases (ExAC no frequency). In summary, the available evidence is currently insufficient to determine the role of this variant in disease. Therefore, it has been classified as a Variant of Uncertain Significance.

NM_015192.4(PLCB1):c.1603A>G (p.Met535Val)

Gene: PLCB1 (phospholipase C beta 1; plus strand). Cytogenetic location: 20p12.3.
Variant type: single nucleotide variant.
Coding change: c.1603A>G on transcript NM_015192.4 (MANE Select); coding-DNA position 1603, A replaced by G.
Protein change: p.Met535Val; replaces methionine 535 with valine.
Molecular consequence: missense variant.
Genome position (GRCh38, 1-based): chr20:8,724,677, A>G. VCF-style: chr20-8724677-A-G. GRCh37 (hg19) VCF-style: chr20-8705324-A-G.
Other names: c.1603A>G, p.Met535Val (NM_182734.3); short protein forms M535V.
Identifiers: ClinVar variation 845098 (VCV000845098.10), dbSNP rs1979835703, ClinGen allele CA408203389.